The following is an entry in ClinVar:

NM_006445.4(PRPF8):c.4240C>T (p.Arg1414Cys)

Gene: PRPF8 (pre-mRNA processing factor 8; minus strand). Cytogenetic location: 17p13.3.
Variant type: single nucleotide variant.
Coding change: c.4240C>T on transcript NM_006445.4 (MANE Select); coding-DNA position 4240, C replaced by T.
Protein change: p.Arg1414Cys; replaces arginine 1414 with cysteine.
Molecular consequence: missense variant.
Genome position (GRCh38, 1-based): chr17:1,661,369, G>A on the plus strand (C>T on the coding strand, the complement: PRPF8 is on the minus strand). VCF-style: chr17-1661369-G-A. GRCh37 (hg19) VCF-style: chr17-1564663-G-A.
Other names: short protein forms R1414C.
Identifiers: ClinVar variation 3361723 (VCV003361723.1).
Genomic context (GRCh38, chr17:1,661,369, plus strand): 5'-TATCATAAGCCAGTGTGTGCCGGTCCTTCTGGAAGAGGGTATTGATTCGAGGAATGCCAC[G>A]ATCCCATGAATCTTCTAGGTCTTCTAAAGTCAGGCGTCTTCCAAAAAAAGAAAGATTCAA-3'
Protein context (NP_006436.3, residues 1404-1424): TLEDLEDSWD[Arg1414Cys]GIPRINTLFQ

ClinVar aggregate classification (germline): Uncertain significance (1 of 4 stars; one submission).

gnomAD v4.1: 1 of 1,614,148 alleles (0.000062%); highest among the groups gnomAD compares: Non-Finnish European, 0.000085%; no homozygotes.

Submission:

GeneDx
Classification: Uncertain significance. Last evaluated: 2023-08-04. Review status: criteria provided, single submitter. Criteria: GeneDx Variant Classification Process June 2021. Collection method: clinical testing. Allele origin: germline. Affected: yes.
Comment: Not observed at significant frequency in large population cohorts (gnomAD); In silico analysis supports that this missense variant has a deleterious effect on protein structure/function; Has not been previously published as pathogenic or benign to our knowledge